The following is an entry in ClinVar:

ClinVar aggregate classification (germline): Likely benign. Review status: criteria provided, multiple submitters, no conflicts (2 of 4 stars). 2 submissions from 2 submitters: Likely benign (2). Last evaluated 2026-06-01.

Conditions:
Inborn genetic diseases. Identifiers: MedGen C0950123, MeSH D030342.

Submissions (2):

CeGaT Center for Human Genetics Tuebingen
Classification: Likely benign. Last evaluated: 2026-06-01. Review status: criteria provided, single submitter. Criteria: CeGaT Center For Human Genetics Tuebingen Variant Classification Criteria Version 2. Collection method: clinical testing. Allele origin: germline. Affected: yes. Observed: 1 variant allele.
Comment: LRRK2: PM2:Supporting, BP4, BP7

Ambry Genetics
Classification: Likely benign for Inborn genetic diseases. Last evaluated: 2022-03-01. Review status: criteria provided, single submitter. Criteria: Ambry Variant Classification Scheme 2023. Collection method: clinical testing. Allele origin: germline.

NM_198578.4(LRRK2):c.6855T>A (p.Ala2285=)

Gene: LRRK2 (leucine rich repeat kinase 2; plus strand). Cytogenetic location: 12q12.
Variant type: single nucleotide variant.
Coding change: c.6855T>A on transcript NM_198578.4 (MANE Select); coding-DNA position 6855, T replaced by A.
Protein change: p.Ala2285=; no amino-acid change (alanine 2285 retained).
Molecular consequence: synonymous variant.
Genome position (GRCh38, 1-based): chr12:40,359,271, T>A. VCF-style: chr12-40359271-T-A. GRCh37 (hg19) VCF-style: chr12-40753073-T-A.
Identifiers: ClinVar variation 1755812 (VCV001755812.4), dbSNP rs2500011861, ClinGen allele CA479244842.